The following is an entry in ClinVar:

NM_006767.4(LZTR1):c.201-8C>T

Gene: LZTR1 (leucine zipper like post translational regulator 1; plus strand). Cytogenetic location: 22q11.21.
Variant type: single nucleotide variant.
Coding change: c.201-8C>T on transcript NM_006767.4 (MANE Select); 8 bases into the intron before coding-DNA position 201, C replaced by T.
Molecular consequence: intron variant.
Genome position (GRCh38, 1-based): chr22:20,983,019, C>T. VCF-style: chr22-20983019-C-T. GRCh37 (hg19) VCF-style: chr22-21337308-C-T.
Other names: p.?.
Identifiers: ClinVar variation 496335 (VCV000496335.86), dbSNP rs183476594, ClinGen allele CA10118310.

ClinVar aggregate classification (germline): Benign/Likely benign. Review status: criteria provided, multiple submitters, no conflicts (2 of 4 stars). 8 submissions from 8 submitters: Benign (3); Likely benign (5). Last evaluated 2026-02-04.

Conditions:
Noonan syndrome and Noonan-related syndrome. Identifiers: Orphanet 98733, MedGen C5681679, MONDO:0020297.

Allele frequency attached by ClinVar (database versions not stated): gnomAD exomes 0.00075 and 0.00163; ExAC 0.00181; 1000 Genomes Project 0.00300; 1000 Genomes Project 30x 0.00344; ESP Exome Variant Server 0.00469; gnomAD 0.00485 and 0.00520; TOPMed 0.00503.
gnomAD v4.1: 1,944 of 1,613,988 alleles (0.12%); highest among the groups gnomAD compares: African/African-American, 1.5%; 9 homozygotes.

Submissions (8):

Labcorp Genetics (formerly Invitae), Labcorp
Classification: Benign. Last evaluated: 2026-02-04. Review status: criteria provided, single submitter. Criteria: Invitae Variant Classification Sherloc (09022015). Collection method: clinical testing. Allele origin: germline.

ARUP Laboratories, Molecular Genetics and Genomics, ARUP Laboratories
Classification: Benign. Last evaluated: 2025-05-15. Review status: criteria provided, single submitter. Criteria: ARUP Molecular Germline Variant Investigation Process 2024. Collection method: clinical testing. Allele origin: germline.

Mayo Clinic Laboratories, Mayo Clinic
Classification: Likely benign. Last evaluated: 2025-05-10. Review status: criteria provided, single submitter. Criteria: ACMG Guidelines, 2015. Collection method: clinical testing. Allele origin: germline. Observed: 2 variant alleles.
Comment: BS1, BP4, BP7

Blueprint Genetics
Classification: Likely benign. Last evaluated: 2024-11-14. Review status: criteria provided, single submitter. Criteria: ACMG Guidelines, 2015. Collection method: clinical testing. Allele origin: germline.

CeGaT Center for Human Genetics Tuebingen
Classification: Likely benign. Last evaluated: 2024-03-01. Review status: criteria provided, single submitter. Criteria: CeGaT Center For Human Genetics Tuebingen Variant Classification Criteria Version 2. Collection method: clinical testing. Allele origin: germline. Affected: yes. Observed: 3 variant alleles.
Comment: LZTR1: BP4, BS1

GeneDx
Classification: Likely benign. Last evaluated: 2020-11-30. Review status: criteria provided, single submitter. Criteria: GeneDx Variant Classification Process June 2021. Collection method: clinical testing. Allele origin: germline. Affected: yes.

Genome Diagnostics Laboratory, The Hospital for Sick Children
Classification: Likely benign for Noonan syndrome and Noonan-related syndrome. Last evaluated: 2020-06-01. Review status: criteria provided, single submitter. Criteria: ACMG Guidelines, 2015. Collection method: clinical testing. Allele origin: germline.

Women's Health and Genetics/Laboratory Corporation of America, LabCorp
Classification: Benign. Last evaluated: 2017-07-10. Review status: criteria provided, single submitter. Criteria: LabCorp Variant Classification Summary - May 2015. Collection method: clinical testing. Allele origin: germline.
Comment: Variant summary: The LZTR1 c.201-8C>T variant involves the alteration of a non-conserved intronic nucleotide. Mutation taster predicts a benign outcome for this variant. 5/5 splice prediction tools predict no significant impact on normal splicing. This variant was found in 220/121318 control chromosomes, predominantly observed in the African subpopulation at a frequency of 0.014228 (148/10402). This frequency is about 2846 times the estimated maximal expected allele frequency of a pathogenic LZTR1 variant (0.000005), suggesting this is likely a benign polymorphism found primarily in the populations of African origin. The variant of interest has not, to our knowledge, been reported in literature. Taken together, this variant is classified as benign.